The following is an entry in ClinVar:

ClinVar aggregate classification (germline): Pathogenic. Review status: criteria provided, multiple submitters, no conflicts (2 of 4 stars). 3 submissions from 3 submitters: Pathogenic (2). 1 of the submissions does not count toward it. Last evaluated 2025-04-23.

Conditions:
X-linked intellectual disability, Cantagrel type (XLID98). Also called: INTELLECTUAL DEVELOPMENTAL DISORDER, X-LINKED 98. Identifiers: Orphanet 85277, MedGen C3806730, MONDO:0010483, OMIM 300912.

Submissions (3):

GeneDx
Classification: Pathogenic. Last evaluated: 2025-04-23. Review status: criteria provided, single submitter. Criteria: GeneDx Variant Classification Process June 2021. Collection method: clinical testing. Allele origin: germline. Affected: yes.
Comment: Frameshift variant predicted to result in protein truncation or nonsense mediated decay in a gene for which loss of function is a known mechanism of disease; Not observed at significant frequency in large population cohorts (gnomAD); This variant is associated with the following publications: (PMID: 27358180, 31487502)

Eurofins Ntd Llc (ga)
Classification: Pathogenic. Last evaluated: 2014-04-23. Review status: criteria provided, single submitter. Criteria: EGL Classification Definitions 2015. Collection method: clinical testing. Allele origin: germline. Observed: 1 variant allele, 1 heterozygote.

OMIM
Classification: Pathogenic for INTELLECTUAL DEVELOPMENTAL DISORDER, X-LINKED 98. Last evaluated: 2021-08-20. Review status: no assertion criteria provided. Collection method: literature only. Allele origin: germline. Not counted in ClinVar's aggregate classification.

Literature cited by the submitters: PubMed 27358180 (cited by OMIM).

NM_001008537.3(NEXMIF):c.1582del (p.Arg528fs)

Gene: NEXMIF (neurite extension and migration factor; minus strand). Cytogenetic location: Xq13.3.
Variant type: Deletion.
Coding change: c.1582del on transcript NM_001008537.3 (MANE Select); coding-DNA position 1582, one base deleted (A; older notation c.1582delA).
Protein change: p.Arg528fs; shifts the reading frame from arginine 528.
Molecular consequence: frameshift variant.
Genome position (GRCh38, 1-based): chrX:74,742,975, T deleted on the plus strand (A on the coding strand, the reverse complement: NEXMIF is on the minus strand). VCF-style (leftmost placement, unchanged base first): chrX-74742974-CT-C. GRCh37 (hg19) VCF-style: chrX-73962809-CT-C.
Other names: c.1582del (NM_001008537.1); short protein forms R528fs.
Identifiers: ClinVar variation 167215 (VCV000167215.8), dbSNP rs727503977, ClinGen allele CA180141.